The following is an entry in ClinVar:

ClinVar aggregate classification (germline): Benign (1 of 4 stars; one submission).

Allele frequency attached by ClinVar (database versions not stated): gnomAD exomes 0.00819; gnomAD 0.06393 and 0.06879; 1000 Genomes Project 0.06669; 1000 Genomes Project 30x 0.07230; TOPMed 0.07251.
gnomAD v4.1: 15,263 of 798,858 alleles (1.9%); highest among the groups gnomAD compares: African/African-American, 22%; 1,448 homozygotes.

Submission:

GeneDx
Classification: Benign. Last evaluated: 2018-06-19. Review status: criteria provided, single submitter. Criteria: GeneDx Variant Classification (06012015). Collection method: clinical testing. Allele origin: germline. Affected: yes.
Comment: This variant is considered likely benign or benign based on one or more of the following criteria: it is a conservative change, it occurs at a poorly conserved position in the protein, it is predicted to be benign by multiple in silico algorithms, and/or has population frequency not consistent with disease.

NM_001105206.3(LAMA4):c.4475+125C>T

Gene: LAMA4 (laminin subunit alpha 4; minus strand). Cytogenetic location: 6q21.
Variant type: single nucleotide variant.
Coding change: c.4475+125C>T on transcript NM_001105206.3 (MANE Select); 125 bases into the intron after coding-DNA position 4475, C replaced by T.
Molecular consequence: intron variant.
Genome position (GRCh38, 1-based): chr6:112,121,889, G>A on the plus strand (C>T on the coding strand, the complement: LAMA4 is on the minus strand). VCF-style: chr6-112121889-G-A. GRCh37 (hg19) VCF-style: chr6-112443092-G-A.
Other names: c.4454+125C>T (NM_002290.5, NM_001105207.3).
Identifiers: ClinVar variation 672737 (VCV000672737.1), dbSNP rs7763664, ClinGen allele CA144883505.